The following is an entry in ClinVar:

ClinVar aggregate classification (germline): Uncertain significance (1 of 4 stars; one submission).

Allele frequency attached by ClinVar (database versions not stated): gnomAD exomes below 0.00001; TOPMed 0.00001.
gnomAD v4.1: 4 of 1,613,562 alleles (0.00025%); highest among the groups gnomAD compares: Non-Finnish European, 0.00034%; no homozygotes.

Submission:

GeneDx
Classification: Uncertain significance. Last evaluated: 2020-10-15. Review status: criteria provided, single submitter. Criteria: GeneDx Variant Classification Process June 2021. Collection method: clinical testing. Allele origin: germline. Affected: yes.
Comment: Has not been previously published as pathogenic or benign to our knowledge; In-silico analysis, which includes splice predictors and evolutionary conservation, is inconclusive as to whether the variant alters gene splicing. In the absence of RNA/functional studies, the actual effect of this sequence change is unknown.; Not observed at a significant frequency in large population cohorts (Lek et al., 2016)

NM_012208.4(HARS2):c.641A>G (p.Asp214Gly)

Gene: HARS2 (histidyl-tRNA synthetase 2, mitochondrial; plus strand). Cytogenetic location: 5q31.3.
Variant type: single nucleotide variant.
Coding change: c.641A>G on transcript NM_012208.4 (MANE Select); coding-DNA position 641, A replaced by G.
Protein change: p.Asp214Gly; replaces aspartic acid 214 with glycine.
Molecular consequence: missense variant.
Genome position (GRCh38, 1-based): chr5:140,696,110, A>G. VCF-style: chr5-140696110-A-G. GRCh37 (hg19) VCF-style: chr5-140075695-A-G.
Other names: c.566A>G, p.Asp189Gly (NM_001278731.2); c.209A>G, p.Asp70Gly (NM_001278732.2); c.659A>G, p.Asp220Gly (NM_001363535.2); c.431A>G, p.Asp144Gly (NM_001363536.2); short protein forms D214G, D220G, D144G, D189G, D70G.
Identifiers: ClinVar variation 429211 (VCV000429211.3), dbSNP rs973137103, ClinGen allele CA128342035.